The following is an entry in ClinVar:

NM_198428.3(BBS9):c.2642C>G (p.Pro881Arg)

Gene: BBS9 (Bardet-Biedl syndrome 9; plus strand). Cytogenetic location: 7p14.3.
Variant type: single nucleotide variant.
Coding change: c.2642C>G on transcript NM_198428.3 (MANE Select); coding-DNA position 2642, C replaced by G.
Protein change: p.Pro881Arg; replaces proline 881 with arginine.
Molecular consequence: missense variant. On other transcripts: non-coding transcript variant (3), intron variant (2).
Genome position (GRCh38, 1-based): chr7:33,605,204, C>G. VCF-style: chr7-33605204-C-G. GRCh37 (hg19) VCF-style: chr7-33644816-C-G.
Other names: c.2537C>G, p.Pro846Arg (NM_001033604.2); c.2627C>G, p.Pro876Arg (NM_001033605.2); c.2642C>G, p.Pro881Arg (NM_001348036.1); c.2093C>G, p.Pro698Arg (NM_001348037.3); c.2369C>G, p.Pro790Arg (NM_001348038.3); c.2264C>G, p.Pro755Arg (NM_001348039.3); c.2519C>G, p.Pro840Arg (NM_001348040.3); c.2507C>G, p.Pro836Arg (NM_001348042.3); and 6 more; short protein forms P759R, P836R, P881R, P698R, P755R, P841R, P724R, P790R.
Identifiers: ClinVar variation 2144742 (VCV002144742.4), dbSNP rs756620095, ClinGen allele CA367256631.

ClinVar aggregate classification (germline): Uncertain significance (1 of 4 stars; one submission).

Conditions:
Bardet-Biedl syndrome (BBS). Identifiers: Orphanet 110, MedGen C0752166, MONDO:0015229.

gnomAD v4.1: 13 of 1,612,446 alleles (0.00081%); highest among the groups gnomAD compares: African/African-American, 0.0013%; no homozygotes.

Submission:

Labcorp Genetics (formerly Invitae), Labcorp
Classification: Uncertain significance for Bardet-Biedl syndrome. Last evaluated: 2024-10-29. Review status: criteria provided, single submitter. Criteria: Invitae Variant Classification Sherloc (09022015). Collection method: clinical testing. Allele origin: germline.
Comment: This sequence change replaces proline, which is neutral and non-polar, with arginine, which is basic and polar, at codon 881 of the BBS9 protein (p.Pro881Arg). This variant is present in population databases (no rsID available, gnomAD 0.007%). This variant has not been reported in the literature in individuals affected with BBS9-related conditions. ClinVar contains an entry for this variant (Variation ID: 2144742). An algorithm developed to predict the effect of missense changes on protein structure and function (PolyPhen-2) suggests that this variant is likely to be tolerated. In summary, the available evidence is currently insufficient to determine the role of this variant in disease. Therefore, it has been classified as a Variant of Uncertain Significance.